The following is an entry in ClinVar:

ClinVar aggregate classification (germline): Likely benign. Review status: reviewed by expert panel (3 of 4 stars). 3 submissions from 3 submitters: Likely benign (1). 2 of the submissions do not count toward it. Last evaluated 2017-06-29.

Conditions:
Hereditary cancer-predisposing syndrome. Also called: Tumor predisposition; Hereditary Cancer Syndrome; Neoplastic Syndromes, Hereditary; Hereditary neoplastic syndrome. Identifiers: Orphanet 140162, MedGen C0027672, MeSH D009386, MONDO:0015356.
Breast-ovarian cancer, familial, susceptibility to, 1 (BROVCA1). Also called: BRCA1 Hereditary Breast and Ovarian Cancer; OVARIAN CANCER, SUSCEPTIBILITY TO. Identifiers: Orphanet 145, MedGen C2676676, MONDO:0011450, OMIM 604370. Disease mechanism: loss of function.
Hereditary breast ovarian cancer syndrome. Also called: Breast and ovarian cancer; Hereditary breast and ovarian cancer; Hereditary breast and ovarian cancer syndrome; Hereditary breast and/or ovarian cancer syndrome; BRCA1- and BRCA2-Associated Hereditary Breast and Ovarian Cancer; Hereditary breast and ovarian cancer syndrome (HBOC). Identifiers: Orphanet 145, MedGen C0677776, MeSH D061325, MONDO:0003582. Disease mechanism: loss of function.

Submissions (3):

Evidence-based Network for the Interpretation of Germline Mutant Alleles (ENIGMA)
Classification: Likely benign for Breast-ovarian cancer, familial, susceptibility to, 1. Last evaluated: 2017-06-29. Review status: reviewed by expert panel. Criteria: ENIGMA BRCA1/2 Classification Criteria (2017-06-29). Collection method: curation. Allele origin: germline.
Comment: Synonymous substitution variant, with low bioinformatic likelihood to result in a splicing aberration (Splicing prior probability 0.02).

Labcorp Genetics (formerly Invitae), Labcorp
Classification: Likely benign for Hereditary breast ovarian cancer syndrome. Last evaluated: 2023-10-13. Review status: criteria provided, single submitter. Criteria: Invitae Variant Classification Sherloc (09022015). Collection method: clinical testing. Allele origin: germline. Not counted in ClinVar's aggregate classification.

Ambry Genetics
Classification: Likely benign for Hereditary cancer-predisposing syndrome. Last evaluated: 2015-06-22. Review status: criteria provided, single submitter. Criteria: Ambry Variant Classification Scheme 2023. Collection method: clinical testing. Allele origin: germline. Not counted in ClinVar's aggregate classification.

NM_007294.4(BRCA1):c.3243T>C (p.Asn1081=)

Genes: BRCA1 (BRCA1 DNA repair associated; minus strand), LOC126862571 (BRD4-independent group 4 enhancer GRCh37_chr17:41243136-41244335; plus strand). Cytogenetic location: 17q21.31.
Variant type: single nucleotide variant.
Coding change: c.3243T>C on transcript NM_007294.4 (MANE Select); coding-DNA position 3243, T replaced by C.
Protein change: p.Asn1081=; no amino-acid change (asparagine 1081 retained).
Molecular consequence: synonymous variant. On other transcripts: intron variant (137).
Genome position (GRCh38, 1-based): chr17:43,092,288, A>G on the plus strand (T>C on the coding strand, the complement: BRCA1 is on the minus strand). VCF-style: chr17-43092288-A-G. GRCh37 (hg19) VCF-style: chr17-41244305-A-G.
Other names: c.3243T>C, p.Asn1081= (NM_001407640.1, NM_001407641.1, NM_001407642.1 and 30 more transcripts); c.3240T>C, p.Asn1080= (NM_001407644.1, NM_001407645.1, NM_001407860.1 and 22 more transcripts); c.3234T>C, p.Asn1078= (NM_001407646.1, NM_001407647.1); c.3120T>C, p.Asn1040= (NM_001407648.1, NM_001407664.1, NM_001407665.1 and 19 more transcripts); c.3117T>C, p.Asn1039= (NM_001407649.1, NM_001407670.1, NM_001407671.1 and 11 more transcripts); c.3165T>C, p.Asn1055= (NM_001407653.1, NM_001407654.1, NM_001407655.1 and 4 more transcripts); c.3162T>C, p.Asn1054= (NM_001407659.1, NM_001407660.1, NM_001407661.1 and 1 more transcripts); c.3102T>C, p.Asn1034= (NM_001407692.1, NM_001407694.1, NM_001407695.1 and 29 more transcripts); and 41 more.
Identifiers: ClinVar variation 232500 (VCV000232500.18), dbSNP rs876659805, ClinGen allele CA10580571.